The following is an entry in ClinVar:

NM_000038.6(APC):c.4332A>T (p.Gln1444His)

Gene: APC (APC regulator of Wnt signaling pathway; plus strand). Cytogenetic location: 5q22.2.
Variant type: single nucleotide variant.
Coding change: c.4332A>T on transcript NM_000038.6 (MANE Select); coding-DNA position 4332, A replaced by T.
Protein change: p.Gln1444His; replaces glutamine 1444 with histidine.
Molecular consequence: missense variant.
Genome position (GRCh38, 1-based): chr5:112,839,926, A>T. VCF-style: chr5-112839926-A-T. GRCh37 (hg19) VCF-style: chr5-112175623-A-T.
Other names: c.4332A>T, p.Gln1444His (NM_001127510.3, NM_001354895.2); c.4278A>T, p.Gln1426His (NM_001127511.3); c.4386A>T, p.Gln1462His (NM_001354896.2); c.4362A>T, p.Gln1454His (NM_001354897.2); c.4257A>T, p.Gln1419His (NM_001354898.2); c.4248A>T, p.Gln1416His (NM_001354899.2); c.4209A>T, p.Gln1403His (NM_001354900.2); c.4155A>T, p.Gln1385His (NM_001354901.2); and 5 more; short protein forms Q1426H, Q1444H, Q1403H, Q1318H, Q1419H, Q1454H, Q1161H, Q1462H.
Identifiers: ClinVar variation 411562 (VCV000411562.67), dbSNP rs748342378, ClinGen allele CA16030825.
Genomic context (GRCh38, chr5:112,839,926, plus strand): 5'-AGATAGCCCTGGACAAACCATGCCACCAAGCAGAAGTAAAACACCTCCACCACCTCCTCA[A>T]ACAGCTCAAACCAAGCGAGAAGTACCTAAAAATAAAGCACCTACTGCTGAAAAGAGAGAG-3'
Protein context (NP_000029.2, residues 1434-1454): SRSKTPPPPP[Gln1444His]TAQTKREVPK

ClinVar aggregate classification (germline): Conflicting classifications of pathogenicity. Review status: criteria provided, conflicting classifications (1 of 4 stars). 9 submissions from 9 submitters: Uncertain significance (7); Likely benign (2). Last evaluated 2025-10-06.

Conditions:
Familial adenomatous polyposis 1 (FAP1). Also called: FAMILIAL ADENOMATOUS POLYPOSIS 1, ATTENUATED; POLYPOSIS, ADENOMATOUS INTESTINAL. Identifiers: MedGen C2713442, MONDO:0021056, OMIM 175100. Disease mechanism: loss of function.
Gastric adenocarcinoma and proximal polyposis of the stomach (GAPPS). Also called: POLYPOSIS, GASTRIC; Gastric Adenocarcinoma and Proximal Polyposis of the Stomach (GAPPS); Polyposis, gastric, Dos Santos and de Magalhaes 1980. Identifiers: Orphanet 314022, MedGen C4749917, MONDO:0017790, OMIM 619182.
Desmoid disease, hereditary (DESMD). Also called: FIBROMATOSIS, FAMILIAL INFILTRATIVE. Identifiers: Orphanet 873, MedGen C1851124, OMIM 135290. Disease mechanism: loss of function.
Hepatocellular carcinoma (HCC). Also called: Primary carcinoma of liver; HEPATOMA; LIVER CELL CARCINOMA. Identifiers: Orphanet 88673, MedGen C2239176, MONDO:0007256, OMIM 114550, HP:0001402.
Gastric cancer. Also called: Malignant tumor of stomach; Stomach cancer. Identifiers: MedGen C0024623, MeSH D013274, MONDO:0001056, OMIM 613659, HP:0012126.
Colorectal cancer. Also called: Malignant Colorectal Neoplasm; Colorectal cancer, somatic. Identifiers: MedGen C0346629, MONDO:0005575, OMIM 114500.
Classic or attenuated familial adenomatous polyposis. Identifiers: MedGen CN372698, MONDO:0021057.
Hereditary cancer-predisposing syndrome. Also called: Neoplastic Syndromes, Hereditary; Hereditary Cancer Syndrome; Hereditary neoplastic syndrome; Tumor predisposition. Identifiers: Orphanet 140162, MedGen C0027672, MeSH D009386, MONDO:0015356.

Allele frequency attached by ClinVar (database versions not stated): TOPMed below 0.00001.
gnomAD v4.1: 20 of 1,613,916 alleles (0.0012%); highest among the groups gnomAD compares: Non-Finnish European, 0.0017%; no homozygotes.

Submissions (9):

Color Diagnostics, LLC DBA Color Health
Classification: Likely benign for Hereditary cancer-predisposing syndrome. Last evaluated: 2025-10-06. Review status: criteria provided, single submitter. Criteria: ACMG Guidelines, 2015. Collection method: clinical testing. Allele origin: germline.

Labcorp Genetics (formerly Invitae), Labcorp
Classification: Uncertain significance for Familial adenomatous polyposis 1. Last evaluated: 2025-06-17. Review status: criteria provided, single submitter. Criteria: Invitae Variant Classification Sherloc (09022015). Collection method: clinical testing. Allele origin: germline.
Comment: This sequence change replaces glutamine, which is neutral and polar, with histidine, which is basic and polar, at codon 1444 of the APC protein (p.Gln1444His). This variant is present in population databases (no rsID available, gnomAD 0.0009%). This missense change has been observed in individual(s) with clinical features of APC-related conditions (PMID: 25980754). ClinVar contains an entry for this variant (Variation ID: 411562). Invitae Evidence Modeling of protein sequence and biophysical properties (such as structural, functional, and spatial information, amino acid conservation, physicochemical variation, residue mobility, and thermodynamic stability) indicates that this missense variant is not expected to disrupt APC protein function with a negative predictive value of 95%. In summary, the available evidence is currently insufficient to determine the role of this variant in disease. Therefore, it has been classified as a Variant of Uncertain Significance.

All of Us Research Program, National Institutes of Health
Classification: Uncertain significance for Classic or attenuated familial adenomatous polyposis. Last evaluated: 2024-04-17. Review status: criteria provided, single submitter. Criteria: ACMG Guidelines, 2015. Collection method: clinical testing. Allele origin: germline. Inheritance: Autosomal dominant inheritance. Observed: 7 variant alleles, 7 heterozygotes.
Comment: This missense variant replaces glutamine with histidine at codon 1444 of the APC protein. Computational prediction suggests that this variant may not impact protein structure and function (internally defined REVEL score threshold <= 0.5, PMID: 27666373). Splice site prediction tools suggest that this variant may not impact RNA splicing. To our knowledge, functional studies have not been performed for this variant. This variant has been reported in an individual affected with Lynch syndrome-associated cancer and/or polyps (PMID: 25980754). This variant has also been identified in 2/251194 chromosomes in the general population by the Genome Aggregation Database (gnomAD). The available evidence is insufficient to determine the role of this variant in disease conclusively. Therefore, this variant is classified as a Variant of Uncertain Significance.

This study involves interpretation of variants in research participants for the purpose of population health screening. Participant phenotype was not available at the time of variant classification. Additional details can be found in publication PMID: 35346344, PMCID: PMC8962531

Fulgent Genetics
Classification: Uncertain significance for Colorectal cancer; Hepatocellular carcinoma; Desmoid disease, hereditary; Familial adenomatous polyposis 1; Gastric cancer; Gastric adenocarcinoma and proximal polyposis of the stomach. Last evaluated: 2024-02-01. Review status: criteria provided, single submitter. Criteria: ACMG Guidelines, 2015. Collection method: clinical testing. Allele origin: germline.

Baylor Genetics
Classification: Uncertain significance for Familial adenomatous polyposis 1. Last evaluated: 2023-11-27. Review status: criteria provided, single submitter. Criteria: ACMG Guidelines, 2015. Collection method: clinical testing. Allele origin: unknown.

Ambry Genetics
Classification: Likely benign for Hereditary cancer-predisposing syndrome. Last evaluated: 2023-03-07. Review status: criteria provided, single submitter. Criteria: Ambry Variant Classification Scheme 2023. Collection method: clinical testing. Allele origin: germline.

Genetics and Molecular Pathology, SA Pathology
Classification: Uncertain significance for Familial adenomatous polyposis 1. Last evaluated: 2023-02-09. Review status: criteria provided, single submitter. Criteria: ACMG Guidelines, 2015. Collection method: clinical testing. Allele origin: germline. Inheritance: Autosomal dominant inheritance. Affected: yes.
Comment: The APC c.4332A>T variant is classified as VUS. The APC c.4332A>T variant is a single nucleotide change in exon 16/16 of the APC gene, which is predicted to change the amino acid glutamine at position 1444 in the protein to histidine. This variant was reported in an individual that had a history of Lynch syndrome-associated cancer (PMID: 25980754) Disease causing variants in APC are predominantly truncating variants and this variant is a missense variant which is not located in the first 15-amino acid repeat of the β-catenin binding domain (codon 1021-1035) (BP1). The variant has been reported in dbSNP (rs748342378) and in the HGMD database: CM1825341. It has been reported as Uncertain significance by other diagnostic laboratories (ClinVar Variation ID: 411562).

GeneDx
Classification: Uncertain significance. Last evaluated: 2023-02-03. Review status: criteria provided, single submitter. Criteria: GeneDx Variant Classification Process June 2021. Collection method: clinical testing. Allele origin: germline. Affected: yes.
Comment: Not observed at significant frequency in large population cohorts (gnomAD); In silico analysis supports that this missense variant does not alter protein structure/function; Observed in individuals with Lynch syndrome-associated cancer and/or polyps (Yurgelun et al., 2015); This variant is associated with the following publications: (PMID: 25742471, 30309722, 18199528, 25980754)

Sema4
Classification: Uncertain significance for Hereditary cancer-predisposing syndrome. Last evaluated: 2021-12-13. Review status: criteria provided, single submitter. Criteria: Sema4 Curation Guidelines. Collection method: curation. Allele origin: germline.
Comment: The APC c.4332A>T (p.Q1444H) variant has been reported in at least one individual with a Lynch syndrome-associated cancer and/or colorectal polyps (PMID: 25980754). It was observed in 2/113548 chromosomes of the Non-Finnish European subpopulation in the large and broad cohorts of the Genome Aggregation Database (PMID: 32461654). This variant has been reported in ClinVar (Variation ID 411562). In silico tools suggest the impact of the variant on protein function is inconclusive, though these predictions have not been confirmed by functional studies. The evidence is insufficient to meet ACMG/AMP criteria for classifying the variant as benign or pathogenic. Thus, the clinical significance of this variant is currently uncertain.

Literature cited by the submitters: PubMed 25980754 (cited by 4 submitters).